The following is an entry in ClinVar:

NM_001099922.3(ALG13):c.2585C>T (p.Pro862Leu)

Gene: ALG13 (ALG13 UDP-N-acetylglucosaminyltransferase subunit; plus strand). Cytogenetic location: Xq23.
Variant type: single nucleotide variant.
Coding change: c.2585C>T on transcript NM_001099922.3 (MANE Select); coding-DNA position 2585, C replaced by T.
Protein change: p.Pro862Leu; replaces proline 862 with leucine.
Molecular consequence: missense variant. On other transcripts: non-coding transcript variant (1).
Genome position (GRCh38, 1-based): chrX:111,736,769, C>T. VCF-style: chrX-111736769-C-T. GRCh37 (hg19) VCF-style: chrX-110979997-C-T.
Other names: c.2585C>T, p.Pro862Leu (NM_001324292.2); c.2099C>T, p.Pro700Leu (NM_001324293.1); c.2273C>T, p.Pro758Leu (NM_001257230.2, NM_001257234.2, NM_001257237.2); c.2351C>T, p.Pro784Leu (NM_001257231.2); short protein forms P700L, P758L, P784L, P862L.
Identifiers: ClinVar variation 3370163 (VCV003370163.1).

ClinVar aggregate classification (germline): Uncertain significance (1 of 4 stars; one submission).

Submission:

GeneDx
Classification: Uncertain significance. Last evaluated: 2023-12-20. Review status: criteria provided, single submitter. Criteria: GeneDx Variant Classification Process June 2021. Collection method: clinical testing. Allele origin: germline. Affected: yes.
Comment: Not observed at significant frequency in large population cohorts (gnomAD); In silico analysis supports that this missense variant has a deleterious effect on protein structure/function; Has not been previously published as pathogenic or benign to our knowledge